The following is an entry in ClinVar:

ClinVar aggregate classification (germline): Uncertain significance (1 of 4 stars; one submission).

Allele frequency attached by ClinVar (database versions not stated): gnomAD 0.00001; gnomAD exomes 0.00001; ExAC 0.00002.
gnomAD v4.1: 13 of 1,613,980 alleles (0.00081%); highest among the groups gnomAD compares: South Asian, 0.0022%; no homozygotes.

Submission:

Labcorp Genetics (formerly Invitae), Labcorp
Classification: Uncertain significance. Last evaluated: 2025-04-16. Review status: criteria provided, single submitter. Criteria: Invitae Variant Classification Sherloc (09022015). Collection method: clinical testing. Allele origin: germline.
Comment: This sequence change replaces arginine, which is basic and polar, with glutamine, which is neutral and polar, at codon 269 of the DSCAML1 protein (p.Arg269Gln). This variant is present in population databases (rs748066834, gnomAD 0.006%). This variant has not been reported in the literature in individuals affected with DSCAML1-related conditions. ClinVar contains an entry for this variant (Variation ID: 1942879). An algorithm developed to predict the effect of missense changes on protein structure and function (PolyPhen-2) suggests that this variant is likely to be disruptive. In summary, the available evidence is currently insufficient to determine the role of this variant in disease. Therefore, it has been classified as a Variant of Uncertain Significance.

NM_020693.4(DSCAML1):c.626G>A (p.Arg209Gln)

Gene: DSCAML1 (DS cell adhesion molecule like 1; minus strand). Cytogenetic location: 11q23.3.
Variant type: single nucleotide variant.
Coding change: c.626G>A on transcript NM_020693.4 (MANE Select); coding-DNA position 626, G replaced by A.
Protein change: p.Arg209Gln; replaces arginine 209 with glutamine.
Molecular consequence: missense variant.
Genome position (GRCh38, 1-based): chr11:117,532,408, C>T on the plus strand (G>A on the coding strand, the complement: DSCAML1 is on the minus strand). VCF-style: chr11-117532408-C-T. GRCh37 (hg19) VCF-style: chr11-117403123-C-T.
Other names: c.626G>A, p.Arg209Gln (NM_001367904.1); c.218G>A, p.Arg73Gln (NM_001367905.1); short protein forms R209Q, R73Q.
Identifiers: ClinVar variation 1942879 (VCV001942879.5), dbSNP rs748066834, ClinGen allele CA6297501.